The following is an entry in ClinVar:

ClinVar aggregate classification (germline): Pathogenic/Likely pathogenic. Review status: criteria provided, multiple submitters, no conflicts (2 of 4 stars). 12 submissions from 12 submitters: Pathogenic (6); Likely pathogenic (4). 2 of the submissions do not count toward it. Last evaluated 2025-12-21.

Conditions:
MFN2-related disorder. Also called: MFN2-related disorders; MFN2-related condition.
Charcot-Marie-Tooth disease. Also called: Charcot-Marie-Tooth Hereditary Neuropathy; Charcot-Marie-Tooth Neuropathy. Identifiers: Orphanet 166, MedGen C0007959, MONDO:0015626.
Inborn genetic diseases. Identifiers: MedGen C0950123, MeSH D030342.
Charcot-Marie-Tooth disease type 2. Also called: Charcot-Marie-Tooth type 2. Identifiers: Orphanet 64746, MedGen C0270914, MONDO:0018993.
Charcot-Marie-Tooth disease type 2A2. Also called: CHARCOT-MARIE-TOOTH DISEASE, AXONAL, AUTOSOMAL DOMINANT, TYPE 2A2A; CHARCOT-MARIE-TOOTH DISEASE, NEURONAL, TYPE 2A2; HEREDITARY MOTOR AND SENSORY NEUROPATHY IIA2; HMSN IIA2; CHARCOT-MARIE-TOOTH DISEASE, AXONAL, TYPE 2A2; Charcot-Marie-Tooth Neuropathy Type 2A2. Identifiers: Orphanet 99947, MedGen C4721887, MONDO:0012231, OMIM 609260.

gnomAD v4.1: 2 of 1,614,182 alleles (0.00012%); no homozygotes.

Submissions (12):

Labcorp Genetics (formerly Invitae), Labcorp
Classification: Pathogenic for Charcot-Marie-Tooth disease type 2. Last evaluated: 2025-12-21. Review status: criteria provided, single submitter. Criteria: Invitae Variant Classification Sherloc (09022015). Collection method: clinical testing. Allele origin: germline.
Comment: This sequence change replaces arginine, which is basic and polar, with cysteine, which is neutral and slightly polar, at codon 259 of the MFN2 protein (p.Arg259Cys). This variant is not present in population databases (gnomAD no frequency). This missense change has been observed in individuals with Charcot-Marie-Tooth disease (PMID: 22492563, 24957169, 25802885, 25957633). ClinVar contains an entry for this variant (Variation ID: 155730). Invitae Evidence Modeling of protein sequence and biophysical properties (such as structural, functional, and spatial information, amino acid conservation, physicochemical variation, residue mobility, and thermodynamic stability) indicates that this missense variant is expected to disrupt MFN2 protein function with a positive predictive value of 95%. This variant disrupts the p.Arg259 amino acid residue in MFN2. Other variant(s) that disrupt this residue have been determined to be pathogenic (PMID: 19350291, 24627108, 24863639). This suggests that this residue is clinically significant, and that variants that disrupt this residue are likely to be disease-causing. For these reasons, this variant has been classified as Pathogenic.

Victorian Clinical Genetics Services, Murdoch Childrens Research Institute
Classification: Pathogenic for Charcot-Marie-Tooth disease type 2A2. Last evaluated: 2025-07-22. Review status: criteria provided, single submitter. Criteria: ACMG Guidelines, 2015. Collection method: clinical testing. Allele origin: germline. Affected: yes.
Comment: This variant is classified as Pathogenic. Evidence in support of pathogenic classification: Variant is present in gnomAD <0.01 (v4: 2 heterozygote(s), 0 homozygote(s)); This variant has strong previous evidence of pathogenicity in unrelated individuals. This variant has been reported multiple times in heterozygous individuals with Charcot-Marie-Tooth disease (ClinVar, PMID: 32522799); Other missense variant(s) comparable to the one identified in this case have strong previous evidence for pathogenicity. p.(Arg259Ser) and p.(Arg259Leu) have both been classified as likely pathogenic/pathogenic by clinical laboratories in ClinVar. Additionally, p.(Arg259His) has been classified as pathogenic and a VUS by clinical laboratories in ClinVar; Missense variant predicted to be damaging by in silico tool(s) or highly conserved with a major amino acid change. Additional information: Variant is predicted to result in a missense amino acid change from arginine to cysteine; This variant is heterozygous; This gene is associated with both recessive and dominant disease. The associated diseases are predominantly monoallelic; however, biallelic variants have also been reported in early-onset severe cases (OMIM); Alternative amino acid change(s) at the same position are present in gnomAD (Highest alelle count: v4: 2 heterozygote(s), 0 homozygote(s)); Variant is located in the annotated Dynamin-type G (UniProt); Dominant negative, loss of function and gain of function are known mechanisms of disease in this gene and are associated with Charcot-Marie-Tooth disease, axonal, type 2A2B (MIM#617087), Charcot-Marie-Tooth disease, axonal, type 2A2A (MIM#609260), hereditary motor and sensory neuropathy VIA (MIM#601152), and lipomatosis, multiple symmetric, with or without peripheral neuropathy, (MIM#151800). Missense variants have been functionally proven to result in a dominant negative and gain of function effect on protein function, and are associated with dominant disease. Protein truncating variants have a loss of function mechanism, and are moreso associated with recessive disease (PMIDs: 12527753, 29898954, 36229071); The condition associated with this gene has incomplete penetrance. Monoallelic variants in early-onset cases have been reported to be inherited from unaffected parents (OMIM, PMID: 26686600); Variants in this gene are known to have variable expressivity. Pathogenic variants have been shown to result in different phenotypic spectrums within members of the same family (OMIM); Inheritance information for this variant is not currently available in this individual.

Department of Human Genetics, Hannover Medical School
Classification: Pathogenic for Charcot-Marie-Tooth disease type 2A2. Last evaluated: 2025-02-20. Review status: criteria provided, single submitter. Criteria: ACMG Guidelines, 2015. Collection method: clinical testing. Allele origin: germline. Affected: yes.
Comment: ACMG: PS4_Moderate, PM1_Supporting, PM2_Supporting, PM5, PM6_Supporting, PP1, PP2, PP3_Strong

Clinical Omics and Informatics (COIN) Unit, Neuroscience Institute, University Of Cape Town
Classification: Pathogenic for Charcot-Marie-Tooth disease type 2A2. Last evaluated: 2024-05-22. Review status: criteria provided, single submitter. Criteria: ACMG Guidelines, 2015. Collection method: research. Allele origin: germline. Inheritance: Autosomal dominant inheritance. Affected: yes. Observed: 1 variant allele, 1 heterozygote.
Comment: PM2_supporting: The highest population allele frequency in gnomAD v4.0. is 0.00003311(0.003%; 2/60396 alleles in Remaining populations). PM1 met: variant occurs in the dynamin-like GTPase domain together with other pathogenic variants. PS4 met: variant identified in =10 unrelated probands with consistent phenotype for disorder. PP3_strong: Revel score is 0.95. PM5 met: MFN2 p.Arg259Leu classified as LP. PP1 not met: variant segregates with 2 informative meioses in 1 family (PMID 25802885).

CeGaT Center for Human Genetics Tuebingen
Classification: Pathogenic. Last evaluated: 2023-04-01. Review status: criteria provided, single submitter. Criteria: CeGaT Center For Human Genetics Tuebingen Variant Classification Criteria Version 2. Collection method: clinical testing. Allele origin: germline. Affected: yes. Observed: 1 variant allele.
Comment: MFN2: PM1, PM2, PM5, PS2:Moderate, PP2, PP3, PP4

Blueprint Genetics
Classification: Pathogenic for MFN2-related disorders. Last evaluated: 2023-02-27. Review status: criteria provided, single submitter. Criteria: ACMG Guidelines, 2015. Collection method: clinical testing. Allele origin: germline. Affected: yes. Observed: 2 variant alleles.

Ambry Genetics
Classification: Likely pathogenic for Inborn genetic diseases. Last evaluated: 2022-05-12. Review status: criteria provided, single submitter. Criteria: Ambry Variant Classification Scheme 2023. Collection method: clinical testing. Allele origin: germline.
Comment: The p.R259C variant (also known as c.775C>T), located in coding exon 6 of the MFN2 gene, results from a C to T substitution at nucleotide position 775. The arginine at codon 259 is replaced by cysteine, an amino acid with highly dissimilar properties. This variant has been detected in the heterozygous state in multiple patients with Charcot-Marie-Tooth Type 2A (CMT2A) disease (Sitarz KS et al. Brain, 2012 Aug;135:e219, 1-3; author reply e220, 1-3; Bombelli F et al. JAMA Neurol, 2014 Aug;71:1036-42; Drew AP et al. Mol Genet Genomic Med, 2015 Mar;3:143-54; Volodarsky M et al. J Med Genet, 2021 04;58:284-288; Ma Y et al. Front Neurol, 2021 Oct;12:757518; Wu R et al. Front Neurosci, 2021 Jul;15:705277). This variant was detected de novo in the heterozygous state in a patient with CMT2A (Felice KJ et al. Muscle Nerve, 2021 10;64:454-461). This amino acid position is highly conserved in available vertebrate species. In addition, this alteration is predicted to be deleterious by in silico analysis. Based on the supporting evidence, this variant is expected to be causative of autosomal dominant CMT2A; however, its clinical significance for autosomal recessive Charcot-Marie-Tooth disease, axonal, type 2A2B is unclear.

GeneDx
Classification: Likely pathogenic. Last evaluated: 2017-11-28. Review status: criteria provided, single submitter. Criteria: GeneDx Variant Classification (06012015). Collection method: clinical testing. Allele origin: germline. Affected: yes.
Comment: A variant that is likely pathogenic has been identified in the MFN2 gene. The R259C variant has been previously reported in multiple individuals with CMT2A (Sitarz et al., 2012; Drew et al., 2015; Leonardi et al., 2015). TheR259C variant is not observed in large population cohorts (Lek et al., 2016). The R259C variant is anon-conservative amino acid substitution, which is likely to impact secondary protein structure as these residues differ in polarity, charge, size and/or other properties. In-silico analyses, including protein predictors and evolutionary conservation, support a deleterious effect. Additionally, missense variants in a nearby residue (S263P) and at the sameresidue (R259L/H) have been reported in the Human Gene Mutation Database in association with MFN2-related neuropathy (Stenson et al., 2014), supporting the functional importance of this region of the protein. Therefore, this variant is likely pathogenic; however, the possibility that it is benign cannot be excluded.

Athena Diagnostics
Classification: Likely pathogenic. Last evaluated: 2017-02-16. Review status: criteria provided, single submitter. Criteria: Athena Diagnostics Criteria. Collection method: clinical testing. Allele origin: germline.

Molecular Genetics Laboratory, London Health Sciences Centre
Classification: Likely pathogenic for Charcot-Marie-Tooth disease. Review status: criteria provided, single submitter. Criteria: ACMG Guidelines, 2015. Collection method: clinical testing. Allele origin: germline. Affected: yes.

Inherited Neuropathy Consortium
Classification: Uncertain significance for Charcot-Marie-Tooth disease. Review status: no assertion criteria provided. Collection method: literature only. Allele origin: germline. Affected: yes. Not counted in ClinVar's aggregate classification.

Northcott Neuroscience Laboratory, ANZAC Research Institute
Classification: Pathogenic for Charcot-Marie-Tooth disease, type 2A2. Review status: no assertion criteria provided. Collection method: not provided. Allele origin: germline. Not counted in ClinVar's aggregate classification.
Comment: Family A
ClinVar note: Converted during submission from pathogenic to Pathogenic.

Literature cited by the submitters: PubMed 22492563 (cited by 4 submitters); PubMed 24957169 (cited by 3 submitters); PubMed 25802885 (cited by 4 submitters); PubMed 25957633 (cited by Labcorp Genetics (formerly Invitae), Labcorp and Athena Diagnostics); PubMed 19350291 (cited by Labcorp Genetics (formerly Invitae), Labcorp); PubMed 24627108 (cited by Labcorp Genetics (formerly Invitae), Labcorp); PubMed 24863639 (cited by Labcorp Genetics (formerly Invitae), Labcorp); PubMed 29898954 (cited by Victorian Clinical Genetics Services, Murdoch Childrens Research Institute); PubMed 12527753 (cited by Victorian Clinical Genetics Services, Murdoch Childrens Research Institute); PubMed 26686600 (cited by Victorian Clinical Genetics Services, Murdoch Childrens Research Institute); PubMed 32522799 (cited by Victorian Clinical Genetics Services, Murdoch Childrens Research Institute); PubMed 36229071 (cited by Victorian Clinical Genetics Services, Murdoch Childrens Research Institute); PubMed 37712079 (cited by Clinical Omics and Informatics (COIN) Unit, Neuroscience Institute, University Of Cape Town); PubMed 32376792 (cited by Ambry Genetics); PubMed 34232518 (cited by Ambry Genetics); PubMed 34366782 (cited by Ambry Genetics); PubMed 34721278 (cited by Ambry Genetics); PubMed 24450158 (cited by Athena Diagnostics).

NM_014874.4(MFN2):c.775C>T (p.Arg259Cys)

Gene: MFN2 (mitofusin 2; plus strand). Cytogenetic location: 1p36.22.
Variant type: single nucleotide variant.
Coding change: c.775C>T on transcript NM_014874.4 (MANE Select); coding-DNA position 775, C replaced by T.
Protein change: p.Arg259Cys; replaces arginine 259 with cysteine.
Molecular consequence: missense variant.
Genome position (GRCh38, 1-based): chr1:11,999,054, C>T. VCF-style: chr1-11999054-C-T. GRCh37 (hg19) VCF-style: chr1-12059111-C-T.
Other names: p.R259C:CGC>TGC; c.775C>T, p.Arg259Cys (NM_001127660.2); short protein forms R259C.
Identifiers: ClinVar variation 155730 (VCV000155730.60), dbSNP rs587777875, ClinGen allele CA270652.